The following is an entry in ClinVar:

ClinVar aggregate classification (germline): Likely pathogenic (1 of 4 stars; one submission).

Conditions:
Aortic valve disease 1 (AOVD1). Identifiers: MedGen C3887892, MONDO:0024523, OMIM 109730.
Adams-Oliver syndrome 5 (AOS5). Identifiers: Orphanet 974, MedGen C4014970, MONDO:0014459, OMIM 616028.

Submission:

Molecular Genetics Department, Kulakov National Medical Research Center for Obstetrics, Gynecology and Perinatology
Classification: Likely pathogenic for Aortic valve disease 1; Adams-Oliver syndrome 5. Review status: criteria provided, single submitter. Criteria: ACMG Guidelines, 2015. Collection method: clinical testing. Allele origin: germline. Affected: yes. Observed: 1 variant allele.
Comment: A previously undescribed heterozygous nucleotide variant creates a premature translation stop signal p.Gln1837Ter in the NOTCH1 gene. Heterozygous variants of this type are reported in patients with Adams-Oliver syndrome 5, 616028; Aortic valve disease 1, 109730. The variant is not present in population database (gnomAD no frequency). In summary, the currently available evidence indicates that the variant is pathogenic, but additional data are needed to prove that conclusively. Therefore, this variant has been classified as likely pathogenic.

NM_017617.5(NOTCH1):c.5509C>T (p.Gln1837Ter)

Gene: NOTCH1 (notch receptor 1; minus strand). Cytogenetic location: 9q34.3.
Variant type: single nucleotide variant.
Coding change: c.5509C>T on transcript NM_017617.5 (MANE Select); coding-DNA position 5509, C replaced by T.
Protein change: p.Gln1837Ter; replaces glutamine 1837 with a stop codon.
Molecular consequence: nonsense.
Genome position (GRCh38, 1-based): chr9:136,501,877, G>A on the plus strand (C>T on the coding strand, the complement: NOTCH1 is on the minus strand). VCF-style: chr9-136501877-G-A. GRCh37 (hg19) VCF-style: chr9-139396329-G-A.
Other names: short protein forms Q1837*.
Identifiers: ClinVar variation 4294437 (VCV004294437.1).